The following is an entry in ClinVar:

NM_001082971.2(DDC):c.424G>A (p.Gly142Arg)

Genes: DDC (dopa decarboxylase; minus strand), DDC-AS1 (DDC antisense RNA 1; plus strand). Cytogenetic location: 7p12.1.
Variant type: single nucleotide variant.
Coding change: c.424G>A on transcript NM_001082971.2 (MANE Select); coding-DNA position 424, G replaced by A.
Protein change: p.Gly142Arg; replaces glycine 142 with arginine.
Molecular consequence: missense variant. On other transcripts: intron variant (1).
Genome position (GRCh38, 1-based): chr7:50,537,871, C>T on the plus strand (G>A on the coding strand, the complement: DDC is on the minus strand). VCF-style: chr7-50537871-C-T. GRCh37 (hg19) VCF-style: chr7-50605569-C-T.
Other names: c.424G>A, p.Gly142Arg (NM_000790.4, NM_001242887.2, NM_001242889.2 and 1 more transcripts); c.310G>A, p.Gly104Arg (NM_001242886.2); c.201+6014G>A (NM_001242888.2); short protein forms G104R, G142R.
Identifiers: ClinVar variation 1001454 (VCV001001454.6), dbSNP rs757220196, ClinGen allele CA4262383.
Genomic context (GRCh38, chr7:50,537,871, plus strand): 5'-GTGCAGAGCCCATGCATCCCAAAAGTGGCCCTCACAGCTCCCACCTTACCTGGATCACTC[C>T]TCCCCCTTCTCCAGCTTTCTCATTCAAAAATGCCTTTGGTAGTTCCAGCATCTTCCCGAG-3'
Protein context (NP_001076440.2, residues 132-152): FLNEKAGEGG[Gly142Arg]VIQGSASEAT

ClinVar aggregate classification (germline): Uncertain significance. Review status: criteria provided, multiple submitters, no conflicts (2 of 4 stars). 3 submissions from 3 submitters: Uncertain significance (3). Last evaluated 2024-07-22.

Conditions:
Deficiency of aromatic-L-amino-acid decarboxylase. Also called: Aromatic amino acid decarboxylase deficiency; Aromatic L-Amino Acid Decarboxylase Deficiency; AADC DEFICIENCY; DDC DEFICIENCY; DOPA DECARBOXYLASE DEFICIENCY. Identifiers: Orphanet 35708, MedGen C1291564, MONDO:0012084, OMIM 608643.

Allele frequency attached by ClinVar (database versions not stated): ExAC 0.00001; gnomAD exomes 0.00001 and 0.00002; gnomAD 0.00002; TOPMed 0.00002.
gnomAD v4.1: 26 of 1,614,078 alleles (0.0016%); highest among the groups gnomAD compares: Non-Finnish European, 0.0022%; no homozygotes.

Submissions (3):

Women's Health and Genetics/Laboratory Corporation of America, LabCorp
Classification: Uncertain significance. Last evaluated: 2024-07-22. Review status: criteria provided, single submitter. Criteria: LabCorp Variant Classification Summary - May 2015. Collection method: clinical testing. Allele origin: germline.
Comment: Variant summary: DDC c.424G>A (p.Gly142Arg) results in a non-conservative amino acid change in the encoded protein sequence. Five of five in-silico tools predict a damaging effect of the variant on protein function. The variant allele was found at a frequency of 8e-06 in 251454 control chromosomes. c.424G>A has been reported in the literature in the compound heterozygous state in individuals affected with Deficiency Of Aromatic-L-Amino-Acid Decarboxylase (e.g. Himmelreich_2023, Hyland_2020). These data indicate that the variant may be associated with disease. To our knowledge, no experimental evidence demonstrating an impact on protein function has been reported. The following publications have been ascertained in the context of this evaluation (PMID: 37348148, 32111562). ClinVar contains an entry for this variant (Variation ID: 1001454). Based on the evidence outlined above, the variant was classified as VUS-possibly pathogenic.

Labcorp Genetics (formerly Invitae), Labcorp
Classification: Uncertain significance for Deficiency of aromatic-L-amino-acid decarboxylase. Last evaluated: 2022-06-26. Review status: criteria provided, single submitter. Criteria: Invitae Variant Classification Sherloc (09022015). Collection method: clinical testing. Allele origin: germline.
Comment: This sequence change replaces glycine, which is neutral and non-polar, with arginine, which is basic and polar, at codon 142 of the DDC protein (p.Gly142Arg). This variant is present in population databases (rs757220196, gnomAD 0.002%). This missense change has been observed in individual(s) with aromatic L-amino acid decarboxylase deficiency (PMID: 30952622). ClinVar contains an entry for this variant (Variation ID: 1001454). Algorithms developed to predict the effect of missense changes on protein structure and function (SIFT, PolyPhen-2, Align-GVGD) all suggest that this variant is likely to be disruptive. In summary, the available evidence is currently insufficient to determine the role of this variant in disease. Therefore, it has been classified as a Variant of Uncertain Significance.

GeneDx
Classification: Uncertain significance. Last evaluated: 2019-11-13. Review status: criteria provided, single submitter. Criteria: GeneDx Variant Classification Process June 2021. Collection method: clinical testing. Allele origin: germline. Affected: yes.
Comment: Not observed at a significant frequency in large population cohorts (Lek et al., 2016); In silico analysis, which includes protein predictors and evolutionary conservation, supports a deleterious effect; Has not been previously published as pathogenic or benign to our knowledge

Literature cited by the submitters: PubMed 32111562 (cited by Women's Health and Genetics/Laboratory Corporation of America, LabCorp); PubMed 37348148 (cited by Women's Health and Genetics/Laboratory Corporation of America, LabCorp); PubMed 30952622 (cited by Labcorp Genetics (formerly Invitae), Labcorp).